The following is an entry in ClinVar:

NM_004100.5(EYA4):c.197A>G (p.Asn66Ser)

Gene: EYA4 (EYA transcriptional coactivator and phosphatase 4; plus strand). Cytogenetic location: 6q23.2.
Variant type: single nucleotide variant.
Coding change: c.197A>G on transcript NM_004100.5 (MANE Select); coding-DNA position 197, A replaced by G.
Protein change: p.Asn66Ser; replaces asparagine 66 with serine.
Molecular consequence: missense variant.
Genome position (GRCh38, 1-based): chr6:133,446,743, A>G. VCF-style: chr6-133446743-A-G. GRCh37 (hg19) VCF-style: chr6-133767881-A-G.
Other names: c.197A>G, p.Asn66Ser (NM_001301012.2, NM_001301013.2, NM_001370458.1 and 3 more transcripts); short protein forms N66S.
Identifiers: ClinVar variation 837060 (VCV000837060.9), dbSNP rs1792883329, ClinGen allele CA365838143.

ClinVar aggregate classification (germline): Uncertain significance (1 of 4 stars; one submission).

Conditions:
Dilated cardiomyopathy 1J (CMD1J). Also called: CARDIOMYOPATHY, DILATED, WITH SENSORINEURAL HEARING LOSS, AUTOSOMAL DOMINANT. Identifiers: Orphanet 217622, MedGen C1854368, MONDO:0011541, OMIM 605362.

Allele frequency attached by ClinVar (database versions not stated): gnomAD exomes below 0.00001.
gnomAD v4.1: 4 of 1,614,004 alleles (0.00025%); highest among the groups gnomAD compares: Non-Finnish European, 0.00034%; no homozygotes.

Submission:

Labcorp Genetics (formerly Invitae), Labcorp
Classification: Uncertain significance for Dilated cardiomyopathy 1J. Last evaluated: 2023-06-16. Review status: criteria provided, single submitter. Criteria: Invitae Variant Classification Sherloc (09022015). Collection method: clinical testing. Allele origin: germline.
Comment: In summary, the available evidence is currently insufficient to determine the role of this variant in disease. Therefore, it has been classified as a Variant of Uncertain Significance. Advanced modeling of protein sequence and biophysical properties (such as structural, functional, and spatial information, amino acid conservation, physicochemical variation, residue mobility, and thermodynamic stability) performed at Invitae indicates that this missense variant is not expected to disrupt EYA4 protein function. ClinVar contains an entry for this variant (Variation ID: 837060). This variant has not been reported in the literature in individuals affected with EYA4-related conditions. This variant is not present in population databases (gnomAD no frequency). This sequence change replaces asparagine, which is neutral and polar, with serine, which is neutral and polar, at codon 66 of the EYA4 protein (p.Asn66Ser).